The following is an entry in ClinVar:

NM_000212.3(ITGB3):c.1373A>G (p.Asp458Gly)

Gene: ITGB3 (integrin subunit beta 3; plus strand). Cytogenetic location: 17q21.32.
Variant type: single nucleotide variant.
Coding change: c.1373A>G on transcript NM_000212.3 (MANE Select); coding-DNA position 1373, A replaced by G.
Protein change: p.Asp458Gly; replaces aspartic acid 458 with glycine.
Molecular consequence: missense variant.
Genome position (GRCh38, 1-based): chr17:47,292,251, A>G. VCF-style: chr17-47292251-A-G. GRCh37 (hg19) VCF-style: chr17-45369617-A-G.
Identifiers: ClinVar variation 446505 (VCV000446505.4), dbSNP rs1555572829, ClinGen allele CA400028982.
Genomic context (GRCh38, chr17:47,292,251, plus strand): 5'-AGTCCTTTACCATAAAGCCCGTGGGCTTCAAGGACAGCCTGATCGTCCAGGTCACCTTTG[A>G]TTGTGACTGTGCCTGCCAGGCCCAAGCTGAACCTAATAGCCATCGCTGCAACAATGGCAA-3'
Protein context (NP_000203.2, residues 448-468): KDSLIVQVTF[Asp458Gly]CDCACQAQAE

ClinVar aggregate classification (germline): association (1 of 4 stars; one submission).

Conditions:
Neonatal alloimmune thrombocytopenia. Also called: Fetal and neonatal alloimmune thrombocytopenia. Identifiers: Orphanet 853, MedGen C3853779, MONDO:0019415, HP:0004809.

gnomAD v4.1: 11 of 1,614,218 alleles (0.00068%); highest among the groups gnomAD compares: Non-Finnish European, 0.00093%; no homozygotes.

Submission:

Histocompatability and Immunogenetics, National Health Service Blood and Transplant
Classification: association for Neonatal alloimmune thrombocytopenia. Review status: criteria provided, single submitter. Criteria: Submitter's publication. Collection method: clinical testing. Allele origin: inherited. Inheritance: Codominant. Affected: yes. Observed: 1 variant allele, 1 heterozygote.
Comment: Recombinant GPIIIaï€ glycoprotein mutated to contain the novel mutation and expressed in HEK293 cells with GPIIb was also specifically recognised by maternal antibodies. Molecular dynamics calculations identified that the mutation was in a structurally constrained site.